The following is an entry in ClinVar:

NM_022114.4(PRDM16):c.832G>A (p.Gly278Ser)

Gene: PRDM16 (PR/SET domain 16; plus strand). Cytogenetic location: 1p36.32.
Variant type: single nucleotide variant.
Coding change: c.832G>A on transcript NM_022114.4 (MANE Select); coding-DNA position 832, G replaced by A.
Protein change: p.Gly278Ser; replaces glycine 278 with serine.
Molecular consequence: missense variant.
Genome position (GRCh38, 1-based): chr1:3,402,946, G>A. VCF-style: chr1-3402946-G-A. GRCh37 (hg19) VCF-style: chr1-3319510-G-A.
Other names: p.Gly278Ser; c.832G>A, p.Gly278Ser (NM_199454.3); short protein forms G278S.
Identifiers: ClinVar variation 840605 (VCV000840605.15), dbSNP rs375316181, ClinGen allele CA543968.

ClinVar aggregate classification (germline): Conflicting classifications of pathogenicity. Review status: criteria provided, conflicting classifications (1 of 4 stars). 6 submissions from 6 submitters: Uncertain significance (5); Likely benign (1). Last evaluated 2025-12-01.

Conditions:
Left ventricular noncompaction 8 (LVNC8). Identifiers: Orphanet 154, Orphanet 54260, MedGen C3809288, MONDO:0014152, OMIM 615373.
Inborn genetic diseases. Identifiers: MedGen C0950123, MeSH D030342.

Allele frequency attached by ClinVar (database versions not stated): TOPMed 0.00011; ESP Exome Variant Server 0.00015; 1000 Genomes Project 30x 0.00016; gnomAD 0.00017 and 0.00018; gnomAD exomes 0.00017; ExAC 0.00018; 1000 Genomes Project 0.00020.

Submissions (6):

Labcorp Genetics (formerly Invitae), Labcorp
Classification: Uncertain significance for Left ventricular noncompaction 8. Last evaluated: 2025-12-01. Review status: criteria provided, single submitter. Criteria: Invitae Variant Classification Sherloc (09022015). Collection method: clinical testing. Allele origin: germline.
Comment: This sequence change replaces glycine, which is neutral and non-polar, with serine, which is neutral and polar, at codon 278 of the PRDM16 protein (p.Gly278Ser). This variant is present in population databases (rs375316181, gnomAD 0.06%), and has an allele count higher than expected for a pathogenic variant. This variant has not been reported in the literature in individuals affected with PRDM16-related conditions. ClinVar contains an entry for this variant (Variation ID: 840605). An algorithm developed to predict the effect of missense changes on protein structure and function (PolyPhen-2) suggests that this variant is likely to be tolerated. In summary, the available evidence is currently insufficient to determine the role of this variant in disease. Therefore, it has been classified as a Variant of Uncertain Significance.

Mayo Clinic Laboratories, Mayo Clinic
Classification: Uncertain significance. Last evaluated: 2024-08-21. Review status: criteria provided, single submitter. Criteria: ACMG Guidelines, 2015. Collection method: clinical testing. Allele origin: germline. Observed: 1 variant allele.
Comment: BP4

Ambry Genetics
Classification: Uncertain significance for Inborn genetic diseases. Last evaluated: 2024-04-29. Review status: criteria provided, single submitter. Criteria: Ambry Variant Classification Scheme 2023. Collection method: clinical testing. Allele origin: germline.

Blueprint Genetics
Classification: Likely benign. Last evaluated: 2023-10-20. Review status: criteria provided, single submitter. Criteria: ACMG Guidelines, 2015. Collection method: clinical testing. Allele origin: germline.

GeneDx
Classification: Uncertain significance. Last evaluated: 2022-02-09. Review status: criteria provided, single submitter. Criteria: GeneDx Variant Classification Process June 2021. Collection method: clinical testing. Allele origin: germline. Affected: yes.
Comment: Has not been previously published as pathogenic or benign to our knowledge; In silico analysis supports that this missense variant does not alter protein structure/function; This variant is associated with the following publications: (PMID: 26582918)

Fulgent Genetics
Classification: Uncertain significance for Left ventricular noncompaction 8. Last evaluated: 2021-10-08. Review status: criteria provided, single submitter. Criteria: ACMG Guidelines, 2015. Collection method: clinical testing. Allele origin: unknown.